The following is an entry in ClinVar:

NM_000718.4(CACNA1B):c.486G>A (p.Leu162=)

Genes: CACNA1B (calcium voltage-gated channel subunit alpha1 B; plus strand), CACNA1B-AS2 (CACNA1B antisense RNA 2; minus strand). Cytogenetic location: 9q34.3.
Variant type: single nucleotide variant.
Coding change: c.486G>A on transcript NM_000718.4 (MANE Select); coding-DNA position 486, G replaced by A.
Protein change: p.Leu162=; no amino-acid change (leucine 162 retained).
Molecular consequence: synonymous variant. On other transcripts: non-coding transcript variant (1).
Genome position (GRCh38, 1-based): chr9:137,882,839, G>A. VCF-style: chr9-137882839-G-A. GRCh37 (hg19) VCF-style: chr9-140777291-G-A.
Other names: c.486G>A, p.Leu162= (NM_001243812.2).
Identifiers: ClinVar variation 3036415 (VCV003036415.2), dbSNP rs1316618964, ClinGen allele CA467877633.

ClinVar aggregate classification (germline): Likely benign (0 of 4 stars; one submission).

Conditions:
CACNA1B-related disorder. Also called: CACNA1B-related condition.

Submission:

PreventionGenetics, part of Exact Sciences
Classification: Likely benign for CACNA1B-related condition. Last evaluated: 2020-07-31. Review status: no assertion criteria provided. Collection method: clinical testing. Allele origin: germline.
Comment: This variant is classified as likely benign based on ACMG/AMP sequence variant interpretation guidelines (Richards et al. 2015 PMID: 25741868, with internal and published modifications).